The following is an entry in ClinVar:

ClinVar aggregate classification (germline): Uncertain significance (1 of 4 stars; one submission).

Submission:

GeneDx
Classification: Uncertain significance. Last evaluated: 2021-04-15. Review status: criteria provided, single submitter. Criteria: GeneDx Variant Classification Process June 2021. Collection method: clinical testing. Allele origin: germline. Affected: yes.
Comment: Not observed in large population cohorts (Lek et al., 2016); In silico analysis supports that this missense variant has a deleterious effect on protein structure/function; Has not been previously published as pathogenic or benign to our knowledge

NM_000334.4(SCN4A):c.4430T>C (p.Met1477Thr)

Genes: GH-LCR (growth hormone locus control region; plus strand), SCN4A (sodium voltage-gated channel alpha subunit 4; minus strand). Cytogenetic location: 17q23.3.
Variant type: single nucleotide variant.
Coding change: c.4430T>C on transcript NM_000334.4 (MANE Select); coding-DNA position 4430, T replaced by C.
Protein change: p.Met1477Thr; replaces methionine 1477 with threonine.
Molecular consequence: missense variant.
Genome position (GRCh38, 1-based): chr17:63,941,852, A>G on the plus strand (T>C on the coding strand, the complement: SCN4A is on the minus strand). VCF-style: chr17-63941852-A-G. GRCh37 (hg19) VCF-style: chr17-62019212-A-G.
Other names: short protein forms M1477T.
Identifiers: ClinVar variation 1314837 (VCV001314837.2), dbSNP rs2144774683, ClinGen allele CA400616040.